The following is an entry in ClinVar:

ClinVar aggregate classification (germline): Uncertain significance. Review status: criteria provided, multiple submitters, no conflicts (2 of 4 stars). 2 submissions from 2 submitters: Uncertain significance (2). Last evaluated 2025-07-02.

Conditions:
Familial thoracic aortic aneurysm and aortic dissection (TAAD). Also called: Thoracic aortic aneurysms and dissections. Identifiers: Orphanet 91387, MedGen C4707243, MONDO:0019625.
Aortic aneurysm, familial thoracic 4 (AAT4). Also called: AORTIC ANEURYSM/AORTIC DISSECTION AND PATENT DUCTUS ARTERIOSUS. Identifiers: MedGen C1851504, MONDO:0007568, OMIM 132900.

Allele frequency attached by ClinVar (database versions not stated): gnomAD exomes below 0.00001.
gnomAD v4.1: 1 of 1,611,800 alleles (0.000062%); highest among the groups gnomAD compares: Non-Finnish European, 0.000085%; no homozygotes.

Submissions (2):

Labcorp Genetics (formerly Invitae), Labcorp
Classification: Uncertain significance for Aortic aneurysm, familial thoracic 4. Last evaluated: 2025-07-02. Review status: criteria provided, single submitter. Criteria: Invitae Variant Classification Sherloc (09022015). Collection method: clinical testing. Allele origin: germline.
Comment: This sequence change replaces aspartic acid, which is acidic and polar, with histidine, which is basic and polar, at codon 1230 of the MYH11 protein (p.Asp1230His). This variant is not present in population databases (gnomAD no frequency). This variant has not been reported in the literature in individuals affected with MYH11-related conditions. ClinVar contains an entry for this variant (Variation ID: 927091). Invitae Evidence Modeling of protein sequence and biophysical properties (such as structural, functional, and spatial information, amino acid conservation, physicochemical variation, residue mobility, and thermodynamic stability) indicates that this missense variant is not expected to disrupt MYH11 protein function with a negative predictive value of 95%. In summary, the available evidence is currently insufficient to determine the role of this variant in disease. Therefore, it has been classified as a Variant of Uncertain Significance.

Color Diagnostics, LLC DBA Color Health
Classification: Uncertain significance for Familial thoracic aortic aneurysm and aortic dissection. Last evaluated: 2024-03-07. Review status: criteria provided, single submitter. Criteria: ACMG Guidelines, 2015. Collection method: clinical testing. Allele origin: germline.
Comment: This missense variant replaces aspartic acid with histidine at codon 1230 of the MYH11 protein. Computational prediction tool is inconclusive regarding the impact of this variant on protein structure and function (internally defined REVEL score threshold 0.5 < inconclusive < 0.7, PMID: 27666373). Splice site prediction tools suggest that this variant may not impact RNA splicing. To our knowledge, functional studies have not been performed for this variant. This variant has not been reported in individuals affected with cardiovascular disorders in the literature. This variant has not been identified in the general population by the Genome Aggregation Database (gnomAD). The available evidence is insufficient to determine the role of this variant in disease conclusively. Therefore, this variant is classified as a Variant of Uncertain Significance.

NM_002474.3(MYH11):c.3667G>C (p.Asp1223His)

Gene: MYH11 (myosin heavy chain 11; minus strand). Cytogenetic location: 16p13.11.
Variant type: single nucleotide variant.
Coding change: c.3667G>C on transcript NM_002474.3 (MANE Select); coding-DNA position 3667, G replaced by C.
Protein change: p.Asp1223His; replaces aspartic acid 1223 with histidine.
Molecular consequence: missense variant.
Genome position (GRCh38, 1-based): chr16:15,727,039, C>G on the plus strand (G>C on the coding strand, the complement: MYH11 is on the minus strand). VCF-style: chr16-15727039-C-G. GRCh37 (hg19) VCF-style: chr16-15820896-C-G.
Other names: c.3688G>C, p.Asp1230His (NM_001040113.2, NM_001040114.2); c.3667G>C, p.Asp1223His (NM_022844.3); short protein forms D1223H, D1230H.
Identifiers: ClinVar variation 927091 (VCV000927091.11), dbSNP rs1264829172, ClinGen allele CA394860314.